The following is an entry in ClinVar:

NM_020207.7(ERCC6L2):c.1987C>T (p.Arg663Ter)

Gene: ERCC6L2 (ERCC excision repair 6 like 2; plus strand). Cytogenetic location: 9q22.32.
Variant type: single nucleotide variant.
Coding change: c.1987C>T on transcript NM_020207.7 (MANE Select); coding-DNA position 1987, C replaced by T.
Protein change: p.Arg663Ter; replaces arginine 663 with a stop codon.
Molecular consequence: nonsense. On other transcripts: non-coding transcript variant (1).
Genome position (GRCh38, 1-based): chr9:95,966,601, C>T. VCF-style: chr9-95966601-C-T. GRCh37 (hg19) VCF-style: chr9-98728883-C-T.
Other names: c.1987C>T, p.Arg663Ter (NM_001010895.4, NM_001375291.1, NM_001375292.1 and 2 more transcripts); short protein forms R663*.
Identifiers: ClinVar variation 1390409 (VCV001390409.7), dbSNP rs1226402321, ClinGen allele CA374121841.

ClinVar aggregate classification (germline): Pathogenic. Review status: criteria provided, multiple submitters, no conflicts (2 of 4 stars). 2 submissions from 2 submitters: Pathogenic (2). Last evaluated 2024-03-29.

Conditions:
Pancytopenia-developmental delay syndrome. Also called: Bone marrow failure syndrome 2. Identifiers: Orphanet 401764, MedGen C3810350, MONDO:0014317, OMIM 615715.

Allele frequency attached by ClinVar (database versions not stated): gnomAD exomes below 0.00001 and 0.00001.
gnomAD v4.1: 10 of 1,527,662 alleles (0.00065%); highest among the groups gnomAD compares: Non-Finnish European, 0.0008%; no homozygotes.

Submissions (2):

Genomic Medicine Center of Excellence, King Faisal Specialist Hospital and Research Centre
Classification: Pathogenic for Pancytopenia-developmental delay syndrome. Last evaluated: 2024-03-29. Review status: criteria provided, single submitter. Criteria: ACMG Guidelines, 2015. Collection method: clinical testing. Allele origin: germline.

Labcorp Genetics (formerly Invitae), Labcorp
Classification: Pathogenic. Last evaluated: 2020-12-20. Review status: criteria provided, single submitter. Criteria: Invitae Variant Classification Sherloc (09022015). Collection method: clinical testing. Allele origin: germline.
Comment: This sequence change creates a premature translational stop signal (p.Arg674*) in the ERCC6L2 gene. It is expected to result in an absent or disrupted protein product. Loss-of-function variants in ERCC6L2 are known to be pathogenic (PMID: 24507776, 27185855, 29146883, 29987015). This variant is not present in population databases (ExAC no frequency). This variant has not been reported in the literature in individuals with ERCC6L2-related conditions. For these reasons, this variant has been classified as Pathogenic.

Literature cited by the submitters: PubMed 24507776 (cited by Labcorp Genetics (formerly Invitae), Labcorp); PubMed 27185855 (cited by Labcorp Genetics (formerly Invitae), Labcorp); PubMed 29146883 (cited by Labcorp Genetics (formerly Invitae), Labcorp); PubMed 29987015 (cited by Labcorp Genetics (formerly Invitae), Labcorp).